The following is an entry in ClinVar:

ClinVar aggregate classification (germline): Uncertain significance (1 of 4 stars; one submission).

Conditions:
Primary ciliary dyskinesia. Also called: Ciliary dyskinesia. Identifiers: Orphanet 244, MedGen C0008780, MONDO:0016575, HP:0012265.

Submission:

Labcorp Genetics (formerly Invitae), Labcorp
Classification: Uncertain significance for Primary ciliary dyskinesia. Last evaluated: 2017-09-27. Review status: criteria provided, single submitter. Criteria: Invitae Variant Classification Sherloc (09022015). Collection method: clinical testing. Allele origin: germline.
Comment: In summary, the available evidence is currently insufficient to determine the role of this variant in disease. Therefore, it has been classified as a Variant of Uncertain Significance. Algorithms developed to predict the effect of missense changes on protein structure and function do not agree on the potential impact of this missense change (SIFT: "Deleterious"; PolyPhen-2: "Possibly Damaging"; Align-GVGD: "Class C15"). This variant has not been reported in the literature in individuals with CCDC40-related disease. This variant is not present in population databases (ExAC no frequency). This sequence change replaces arginine with glycine at codon 449 of the CCDC40 protein (p.Arg449Gly). The arginine residue is moderately conserved and there is a moderate physicochemical difference between arginine and glycine.

NM_017950.4(CCDC40):c.1345C>G (p.Arg449Gly)

Gene: CCDC40 (coiled-coil domain 40 molecular ruler complex subunit; plus strand). Cytogenetic location: 17q25.3.
Variant type: single nucleotide variant.
Coding change: c.1345C>G on transcript NM_017950.4 (MANE Select); coding-DNA position 1345, C replaced by G.
Protein change: p.Arg449Gly; replaces arginine 449 with glycine.
Molecular consequence: missense variant.
Genome position (GRCh38, 1-based): chr17:80,058,885, C>G. VCF-style: chr17-80058885-C-G. GRCh37 (hg19) VCF-style: chr17-78032684-C-G.
Other names: c.1345C>G, p.Arg449Gly (NM_001243342.2, NM_001330508.2); short protein forms R449G.
Identifiers: ClinVar variation 525452 (VCV000525452.9), dbSNP rs387907093, ClinGen allele CA401324453.
Genomic context (GRCh38, chr17:80,058,885, plus strand): 5'-CCTGACGGGGCTGCTTCTCATCCTGTTTCCCAGGACCTGTATGTGGACCAGCTCACCACT[C>G]GAGCCCAGCAACTGGAAGAAGACATTGCCCTGTTTGAGGCTCAGTACTTGGCCCAAGCTG-3'
Protein context (NP_060420.2, residues 439-459): QDLYVDQLTT[Arg449Gly]AQQLEEDIAL